The following is an entry in ClinVar:

ClinVar aggregate classification (germline): Uncertain significance (1 of 4 stars; one submission).

Conditions:
Hereditary cancer-predisposing syndrome. Also called: Hereditary Cancer Syndrome; Hereditary neoplastic syndrome; Neoplastic Syndromes, Hereditary; Tumor predisposition. Identifiers: Orphanet 140162, MedGen C0027672, MeSH D009386, MONDO:0015356.

Submission:

Ambry Genetics
Classification: Uncertain significance for Hereditary cancer-predisposing syndrome. Last evaluated: 2025-07-20. Review status: criteria provided, single submitter. Criteria: Ambry Variant Classification Scheme 2023. Collection method: clinical testing. Allele origin: germline.
Comment: The p.V468G variant (also known as c.1403T>G), located in coding exon 12 of the CHEK2 gene, results from a T to G substitution at nucleotide position 1403. The valine at codon 468 is replaced by glycine, an amino acid with dissimilar properties. This amino acid position is conserved. In addition, the in silico prediction for this alteration is inconclusive. Based on the available evidence, the clinical significance of this variant remains unclear.

NM_007194.4(CHEK2):c.1403T>G (p.Val468Gly)

Gene: CHEK2 (checkpoint kinase 2; minus strand). Cytogenetic location: 22q12.1.
Variant type: single nucleotide variant.
Coding change: c.1403T>G on transcript NM_007194.4 (MANE Select); coding-DNA position 1403, T replaced by G.
Protein change: p.Val468Gly; replaces valine 468 with glycine.
Molecular consequence: missense variant.
Genome position (GRCh38, 1-based): chr22:28,694,090, A>C on the plus strand (T>G on the coding strand, the complement: CHEK2 is on the minus strand). VCF-style: chr22-28694090-A-C. GRCh37 (hg19) VCF-style: chr22-29090078-A-C.
Other names: c.1532T>G, p.Val511Gly (NM_001005735.3); c.740T>G, p.Val247Gly (NM_001257387.3, NM_001437942.1); c.1202T>G, p.Val401Gly (NM_001349956.3); c.1496T>G, p.Val499Gly (NM_001438293.1); c.1445T>G, p.Val482Gly (NM_001438294.1); c.1409T>G, p.Val470Gly (NM_001438295.1); c.1316T>G, p.Val439Gly (NM_145862.3); short protein forms V247G, V401G, V470G, V511G, V439G, V468G, V482G, V499G.
Identifiers: ClinVar variation 4228005 (VCV004228005.1).
Genomic context (GRCh38, chr22:28,694,090, plus strand): 5'-ACCTGAAGCCACGGGTGTCTTAAGGCTTCTTCTGTCGTAAAACGTGCCTTTGGATCCACT[A>C]CCAACAACTTCTTGACAAGGTCCAGAGCTAAAGCAACAATTGGGCAAATCACAGTGAAAA-3'
Protein context (NP_009125.1, residues 458-478): KALDLVKKLL[Val468Gly]VDPKARFTTE